The following is an entry in ClinVar:

ClinVar aggregate classification (germline): Uncertain significance. Review status: criteria provided, multiple submitters, no conflicts (2 of 4 stars). 2 submissions from 2 submitters: Uncertain significance (2). Last evaluated 2024-08-20.

Conditions:
Muscular dystrophy-dystroglycanopathy (congenital with brain and eye anomalies), type A14. Also called: WALKER-WARBURG SYNDROME OR MUSCLE-EYE-BRAIN DISEASE, GMPPB-RELATED; Muscular dystrophy-dystroglycanopathy (congenital with brain and eye anomalies), type a, 14; Congenital Muscular Dystrophy-Dystroglycanopathy with Brain and Eye Anomalies Type A 14; Congenital muscular dystrophy-dystroglycanopathy with brain and eye anomalies, type A14. Identifiers: Orphanet 588, MedGen C3809216, MONDO:0014140, OMIM 615350.
Muscular dystrophy-dystroglycanopathy (congenital with impaired intellectual development), type B, 14. Also called: MUSCULAR DYSTROPHY, CONGENITAL, GMPPB-RELATED; Muscular dystrophy-dystroglycanopathy (congenital with intellectual disability), type B14; Congenital muscular dystrophy-dystroglycanopathy with mental retardation, type B14. Identifiers: MedGen C3809221, MONDO:0014141, OMIM 615351.
Autosomal recessive limb-girdle muscular dystrophy type 2T. Also called: MUSCULAR DYSTROPHY-DYSTROGLYCANOPATHY, LIMB-GIRDLE, GMPPB-RELATED; MUSCULAR DYSTROPHY, LIMB-GIRDLE, TYPE 2T; Muscular dystrophy-dystroglycanopathy (limb-girdle), type c, 14; Limb-girdle muscular dystrophy-dystroglycanopathy, type C14. Identifiers: Orphanet 363623, MedGen C4518000, MONDO:0014142, OMIM 615352.
Inborn genetic diseases. Identifiers: MedGen C0950123, MeSH D030342.

Allele frequency attached by ClinVar (database versions not stated): TOPMed 0.00001; gnomAD exomes 0.00001; ExAC 0.00002.
gnomAD v4.1: 6 of 1,613,440 alleles (0.00037%); highest among the groups gnomAD compares: South Asian, 0.0011%; no homozygotes.

Submissions (2):

Ambry Genetics
Classification: Uncertain significance for Inborn genetic diseases. Last evaluated: 2024-08-20. Review status: criteria provided, single submitter. Criteria: Ambry Variant Classification Scheme 2023. Collection method: clinical testing. Allele origin: germline.

Labcorp Genetics (formerly Invitae), Labcorp
Classification: Uncertain significance for Autosomal recessive limb-girdle muscular dystrophy type 2T; Muscular dystrophy-dystroglycanopathy (congenital with brain and eye anomalies), type A14; Muscular dystrophy-dystroglycanopathy (congenital with impaired intellectual development), type B, 14. Last evaluated: 2020-06-30. Review status: criteria provided, single submitter. Criteria: Invitae Variant Classification Sherloc (09022015). Collection method: clinical testing. Allele origin: germline.
Comment: This sequence change replaces arginine with histidine at codon 313 of the GMPPB protein (p.Arg313His). The arginine residue is weakly conserved and there is a small physicochemical difference between arginine and histidine. This variant is present in population databases (rs775910135, ExAC 0.006%). This variant has not been reported in the literature in individuals with GMPPB-related conditions. Algorithms developed to predict the effect of missense changes on protein structure and function (SIFT, PolyPhen-2, Align-GVGD) all suggest that this variant is likely to be tolerated, but these predictions have not been confirmed by published functional studies and their clinical significance is uncertain. In summary, the available evidence is currently insufficient to determine the role of this variant in disease. Therefore, it has been classified as a Variant of Uncertain Significance.

NM_021971.4(GMPPB):c.938G>A (p.Arg313His)

Gene: GMPPB (GDP-mannose pyrophosphorylase B; minus strand). Cytogenetic location: 3p21.31.
Variant type: single nucleotide variant.
Coding change: c.938G>A on transcript NM_021971.4 (MANE Select); coding-DNA position 938, G replaced by A.
Protein change: p.Arg313His; replaces arginine 313 with histidine.
Molecular consequence: missense variant.
Genome position (GRCh38, 1-based): chr3:49,721,978, C>T on the plus strand (G>A on the coding strand, the complement: GMPPB is on the minus strand). VCF-style: chr3-49721978-C-T. GRCh37 (hg19) VCF-style: chr3-49759411-C-T.
Other names: c.938G>A, p.Arg313His (NM_013334.4); c.938G>A (NM_013334.2); short protein forms R313H.
Identifiers: ClinVar variation 1017920 (VCV001017920.2), dbSNP rs775910135, ClinGen allele CA2405403.